The following is an entry in ClinVar:

ClinVar aggregate classification (germline): Likely pathogenic. Review status: reviewed by expert panel (3 of 4 stars). 12 submissions from 12 submitters: Likely pathogenic (1). 11 of the submissions do not count toward it. Last evaluated 2023-10-25.

Conditions:
Usher syndrome. Also called: Usher Syndromes; Usher's syndrome. Identifiers: Orphanet 886, MedGen CN469326, MeSH D052245, MONDO:0019501. Disease mechanism: loss of function.
Usher syndrome type 2A. Also called: RETINAL DISEASE IN USHER SYNDROME TYPE IIA, MODIFIER OF; USHER SYNDROME, TYPE IIA. Identifiers: Orphanet 231178, Orphanet 886, MedGen C1848634, MONDO:0010169, OMIM 276901.
Retinitis pigmentosa 39 (RP39). Identifiers: Orphanet 791, MedGen C3151138, MONDO:0013436, OMIM 613809.
USH2A-related disorder. Also called: USH2A-related disorders; USH2A-related condition. Identifiers: MedGen CN239332.

Allele frequency attached by ClinVar (database versions not stated): ExAC 0.00001; gnomAD 0.00001 and 0.00002; ESP Exome Variant Server 0.00008; TOPMed 0.00003.
gnomAD v4.1: 34 of 1,613,926 alleles (0.0021%); highest among the groups gnomAD compares: Non-Finnish European, 0.0026%; no homozygotes.

Submissions (12):

ClinGen Hearing Loss Variant Curation Expert Panel
Classification: Likely pathogenic for Usher syndrome. Last evaluated: 2023-10-25. Review status: reviewed by expert panel. Criteria: Clingen Hl Acmg Specifications Cdh23 Coch Gjb2 Kcnq4 Myo6 Myo7a Slc26a4 Tecta Ush2a V2. Collection method: curation. Allele origin: germline. Inheritance: Autosomal recessive inheritance.
Comment: The c.2081G>A in USH2A is a missense variant predicted to cause substitution of cysteine to tyrosine at amino acid 694 (p.Cys694Tyr). The highest population minor allele frequency in gnomAD v2.1.1 is 0.002% (2/113290) in the European (non-Finnish) sub-population which is below the threshold defined by the ClinGen Hearing Loss Expert Panel for autosomal recessive Usher syndrome (PM2_Supporting). The REVEL computational prediction analysis tool produced a score of 0.92 (PP3). This variant has been detected in at least three probands with Usher syndrome whereby pathogenic or suspected-pathogenic variants were confirmed in trans in two individuals (2.5 PM3_Strong points; PMID:28041643, Invitae Internal Data (SCV001372551.2)). Of the confirmed phase counts, the first harbored the p.Glu767SerfsTer21 variant and second harbored the p.Thr4425Met variant in USH2A (PMID:28041643, Invitae Internal Data). The third individual harbored the p.Cys3267Arg variant but phasing was not confirmed (Invitae Internal Data). At least one proband displayed features of hearing loss and retinitis pigmentosa, which is highly specific for USH2A and Usher syndrome (PP4; PMID: 28041643). Two missense variants, c.2081G>C (p.Cys694Ser) and c.2080T>A (p.Cys694Ser), in the same codon have been classified as likely pathogenic or pathogenic for AR Usher syndrome by two submitters in ClinVar (PM5; ClinVar Variation ID:1217348, 813246). In summary, this variant meets the criteria to be classified as likely pathogenic for AR Usher syndrome based on ACMG/AMP criteria applied, as specified by the ClinGen Hearing Loss VCEP; PM2_Supporting, PP3, PM3_Strong, PP4, PM5. (The ClinGen Hearing Loss VCEP Specifications Version 2; 06/27/2023).

GeneDx
Classification: Likely pathogenic. Last evaluated: 2026-09-22. Review status: criteria provided, single submitter. Criteria: GeneDx Variant Classification Process June 2021. Collection method: clinical testing. Allele origin: germline. Not counted in ClinVar's aggregate classification.
Comment: Not observed at significant frequency in large population cohorts (gnomAD); In silico analysis supports that this missense variant has a deleterious effect on protein structure/function; This variant is associated with the following publications: (PMID: 32581362, 31964843, 20591486, 28041643, 38219857)

Natera, Inc.
Classification: Likely pathogenic for Usher syndrome type 2A. Last evaluated: 2025-11-23. Review status: criteria provided, single submitter. Criteria: Natera Variant Classification Schema (03/2026). Collection method: clinical testing. Allele origin: germline. Not counted in ClinVar's aggregate classification.
Comment: The c.2081G>A variant in USH2A is a missense variant predicted to cause substitution of cysteine to tyrosine at amino acid 694. This variant is rare in the general population with a frequency below the threshold expected for the associated phenotype(s). This variant has been observed in one or more individuals affected with the associated recessive disease, as either homozygous or compound heterozygous with a second variant (PMID: 39560289, 37466950, 28041643, 30902645). Computational prediction algorithms indicate this variant is likely to affect gene or protein function. Given the available evidence, this variant is classified as Likely Pathogenic.

Blueprint Genetics
Classification: Pathogenic for USH2A-related disorders. Last evaluated: 2024-08-09. Review status: criteria provided, single submitter. Criteria: ACMG Guidelines, 2015. Collection method: clinical testing. Allele origin: germline. Affected: yes. Observed: 5 variant alleles. Not counted in ClinVar's aggregate classification.

Labcorp Genetics (formerly Invitae), Labcorp
Classification: Pathogenic. Last evaluated: 2024-06-15. Review status: criteria provided, single submitter. Criteria: Invitae Variant Classification Sherloc (09022015). Collection method: clinical testing. Allele origin: germline. Not counted in ClinVar's aggregate classification.
Comment: This sequence change replaces cysteine, which is neutral and slightly polar, with tyrosine, which is neutral and polar, at codon 694 of the USH2A protein (p.Cys694Tyr). This variant is present in population databases (rs137954284, gnomAD 0.002%). This missense change has been observed in individual(s) with USH2A-related conditions (PMID: 20591486, 28041643; Invitae). In at least one individual the data is consistent with being in trans (on the opposite chromosome) from a pathogenic variant. ClinVar contains an entry for this variant (Variation ID: 418533). Advanced modeling of protein sequence and biophysical properties (such as structural, functional, and spatial information, amino acid conservation, physicochemical variation, residue mobility, and thermodynamic stability) performed at Invitae indicates that this missense variant is expected to disrupt USH2A protein function with a positive predictive value of 95%. For these reasons, this variant has been classified as Pathogenic.

Fulgent Genetics
Classification: Likely pathogenic for Usher syndrome type 2A; Retinitis pigmentosa 39. Last evaluated: 2024-05-31. Review status: criteria provided, single submitter. Criteria: ACMG Guidelines, 2015. Collection method: clinical testing. Allele origin: germline. Not counted in ClinVar's aggregate classification.

Baylor Genetics
Classification: Likely pathogenic for Retinitis pigmentosa 39. Last evaluated: 2024-02-08. Review status: criteria provided, single submitter. Criteria: ACMG Guidelines, 2015. Collection method: clinical testing. Allele origin: unknown. Not counted in ClinVar's aggregate classification.

SN ONGC Dept of Genetics and Molecular biology Vision Research Foundation
Classification: Pathogenic for Usher syndrome. Last evaluated: 2022-12-31. Review status: criteria provided, single submitter. Criteria: ACMG Guidelines, 2015. Collection method: research. Allele origin: unknown. Affected: yes. Observed: 1 variant allele, 1 homozygote. Not counted in ClinVar's aggregate classification.

Eurofins Ntd Llc (ga)
Classification: Uncertain significance. Last evaluated: 2016-10-14. Review status: criteria provided, single submitter. Criteria: EGL Classification Definitions 2015. Collection method: clinical testing. Allele origin: germline. Observed: 1 variant allele, 1 heterozygote. Not counted in ClinVar's aggregate classification.

NIHR Bioresource Rare Diseases, University of Cambridge
Classification: Likely pathogenic for Usher syndrome. Last evaluated: 2015-01-01. Review status: no assertion criteria provided. Collection method: research. Allele origin: unknown. Affected: yes. Observed: 1 variant allele. Not counted in ClinVar's aggregate classification.

Clinical Genetics, Academic Medical Center
Classification: Uncertain significance. Review status: no assertion criteria provided. Collection method: clinical testing. Allele origin: germline. Affected: yes. Study: VKGL Data-share Consensus. Not counted in ClinVar's aggregate classification.

Joint Genome Diagnostic Labs from Nijmegen and Maastricht, Radboudumc and MUMC+
Classification: Uncertain significance. Review status: no assertion criteria provided. Collection method: clinical testing. Allele origin: germline. Affected: yes. Study: VKGL Data-share Consensus. Not counted in ClinVar's aggregate classification.

Literature cited by the submitters: PubMed 39560289 (cited by Natera, Inc.); PubMed 37466950 (cited by Natera, Inc.); PubMed 28041643 (cited by 3 submitters); PubMed 30902645 (cited by Natera, Inc.); PubMed 20591486 (cited by Labcorp Genetics (formerly Invitae), Labcorp and NIHR Bioresource Rare Diseases, University of Cambridge).

NM_206933.4(USH2A):c.2081G>A (p.Cys694Tyr)

Gene: USH2A (usherin; minus strand). Cytogenetic location: 1q41.
Variant type: single nucleotide variant.
Coding change: c.2081G>A on transcript NM_206933.4 (MANE Select); coding-DNA position 2081, G replaced by A.
Protein change: p.Cys694Tyr; replaces cysteine 694 with tyrosine.
Molecular consequence: missense variant.
Genome position (GRCh38, 1-based): chr1:216,250,989, C>T on the plus strand (G>A on the coding strand, the complement: USH2A is on the minus strand). VCF-style: chr1-216250989-C-T. GRCh37 (hg19) VCF-style: chr1-216424331-C-T.
Other names: c.2081G>A (NM_206933.3); c.2081G>A, p.Cys694Tyr (NM_007123.6); short protein forms C694Y.
Identifiers: ClinVar variation 418533 (VCV000418533.51), dbSNP rs137954284, ClinGen allele CA1396311.
Genomic context (GRCh38, chr1:216,250,989, plus strand): 5'-TGGCCTGAATTTTGGTGACAGGTAATATCTCCATCCACTGTCCCAGAGGTATTGCAGTTA[C>T]AGGGACTGCAGCCATCAGGATCCAACTCTTGTAGATTGTAGAATCCATTCTGGCACTGAT-3'
Protein context (NP_996816.3, residues 684-704): QELDPDGCSP[Cys694Tyr]NCNTSGTVDG